The following is an entry in ClinVar:

ClinVar aggregate classification (germline): Uncertain significance (1 of 4 stars; one submission).

Conditions:
Inborn genetic diseases. Identifiers: MedGen C0950123, MeSH D030342.

Submission:

Ambry Genetics
Classification: Uncertain significance for Inborn genetic diseases. Last evaluated: 2026-03-09. Review status: criteria provided, single submitter. Criteria: Ambry Variant Classification Scheme 2023. Collection method: clinical testing. Allele origin: germline.
Comment: The p.S1402C variant (also known as c.4205C>G), located in coding exon 1 of the SAMD9 gene, results from a C to G substitution at nucleotide position 4205. The serine at codon 1402 is replaced by cysteine, an amino acid with dissimilar properties. This amino acid position is conserved. In addition, this alteration is predicted to be tolerated by in silico analysis. Based on the available evidence, the clinical significance of this variant remains unclear.

NM_017654.4(SAMD9):c.4205C>G (p.Ser1402Cys)

Gene: SAMD9 (sterile alpha motif domain containing 9; minus strand). Cytogenetic location: 7q21.2.
Variant type: single nucleotide variant.
Coding change: c.4205C>G on transcript NM_017654.4 (MANE Select); coding-DNA position 4205, C replaced by G.
Protein change: p.Ser1402Cys; replaces serine 1402 with cysteine.
Molecular consequence: missense variant.
Genome position (GRCh38, 1-based): chr7:93,101,893, G>C on the plus strand (C>G on the coding strand, the complement: SAMD9 is on the minus strand). VCF-style: chr7-93101893-G-C. GRCh37 (hg19) VCF-style: chr7-92731206-G-C.
Other names: c.4205C>G, p.Ser1402Cys (NM_001193307.2); short protein forms S1402C.
Identifiers: ClinVar variation 4827024 (VCV004827024.1).
Genomic context (GRCh38, chr7:93,101,893, plus strand): 5'-ATTGGTTGCAAGACTTCTCGAAGCTGATCTTTTAGTTTTTCAACTGGCTTTACTAATCTG[G>C]AGGTAGGTTGGATACAGGAGAGAATAATGTTGGCCAAGATGAAATTTAGCTTTTCTTTTG-3'
Protein context (NP_060124.2, residues 1392-1412): NIILSCIQPT[Ser1402Cys]RLVKPVEKLK